The following is an entry in ClinVar:

NM_012208.4(HARS2):c.-32C>T

Genes: HARS2 (histidyl-tRNA synthetase 2, mitochondrial; plus strand), LOC119407423 (HARS1 and HARS2 bidirectional promoter region; plus strand). Cytogenetic location: 5q31.3.
Variant type: single nucleotide variant.
Coding change: c.-32C>T on transcript NM_012208.4 (MANE Select); 32 bases upstream of the start codon, C replaced by T.
Molecular consequence: 5 prime UTR variant. On other transcripts: intron variant (1).
Genome position (GRCh38, 1-based): chr5:140,691,617, C>T. VCF-style: chr5-140691617-C-T. GRCh37 (hg19) VCF-style: chr5-140071202-C-T.
Other names: c.-32C>T (NM_001278731.2, NM_001363535.2); c.-342C>T (NM_001278732.2); c.-326+102C>T (NM_001363536.2).
Identifiers: ClinVar variation 390694 (VCV000390694.1), dbSNP rs770867940, ClinGen allele CA3444264.
Genomic context (GRCh38, chr5:140,691,617, plus strand): 5'-CTTTGCAGTGCCCTCCACCCTTCCTGGTGTCTGACCCGCCTCCTTCCCAGGCCTTTTGTT[C>T]CTGTCCCGGAAAGCCGGCGTCCTGCCGCGCGATGCCCCTGCTCGGACTTCTTCCCAGGAG-3'

ClinVar aggregate classification (germline): Likely benign (1 of 4 stars; one submission).

Allele frequency attached by ClinVar (database versions not stated): ExAC 0.00025.
gnomAD v4.1: 44 of 1,411,148 alleles (0.0031%); highest among the groups gnomAD compares: South Asian, 0.052%; no homozygotes.

Submission:

GeneDx
Classification: Likely benign. Last evaluated: 2016-11-10. Review status: criteria provided, single submitter. Criteria: GeneDx Variant Classification (06012015). Collection method: clinical testing. Allele origin: germline. Affected: yes.
Comment: This variant is considered likely benign or benign based on one or more of the following criteria: it is a conservative change, it occurs at a poorly conserved position in the protein, it is predicted to be benign by multiple in silico algorithms, and/or has population frequency not consistent with disease.